The following is an entry in ClinVar:

NM_000390.4(CHM):c.1245-2A>G

Gene: CHM (CHM Rab escort protein; minus strand). Cytogenetic location: Xq21.2.
Variant type: single nucleotide variant.
Coding change: c.1245-2A>G on transcript NM_000390.4 (MANE Select); the canonical splice acceptor site of the intron before coding-DNA position 1245, A replaced by G.
Molecular consequence: splice acceptor variant.
Genome position (GRCh38, 1-based): chrX:85,901,190, T>C on the plus strand (A>G on the coding strand, the complement: CHM is on the minus strand). VCF-style: chrX-85901190-T-C. GRCh37 (hg19) VCF-style: chrX-85156195-T-C.
Other names: c.801-2A>G (NM_001362519.1, NM_001362517.1, NM_001320959.1 and 1 more transcripts).
Identifiers: ClinVar variation 1075987 (VCV001075987.9), dbSNP rs2148154378, ClinGen allele CA413789999.

ClinVar aggregate classification (germline): Pathogenic (1 of 4 stars; one submission).

Submission:

Labcorp Genetics (formerly Invitae), Labcorp
Classification: Pathogenic. Last evaluated: 2022-07-18. Review status: criteria provided, single submitter. Criteria: Invitae Variant Classification Sherloc (09022015). Collection method: clinical testing. Allele origin: germline.
Comment: For these reasons, this variant has been classified as Pathogenic. Algorithms developed to predict the effect of sequence changes on RNA splicing suggest that this variant may disrupt the consensus splice site. ClinVar contains an entry for this variant (Variation ID: 1075987). Disruption of this splice site has been observed in individuals with choroideremia (PMID: 23811034, 30902645). This variant is not present in population databases (gnomAD no frequency). This sequence change affects an acceptor splice site in intron 9 of the CHM gene. It is expected to disrupt RNA splicing. Variants that disrupt the donor or acceptor splice site typically lead to a loss of protein function (PMID: 16199547), and loss-of-function variants in CHM are known to be pathogenic (PMID: 9067750, 23811034).

Literature cited by the submitters: PubMed 23811034; PubMed 30902645; PubMed 16199547; PubMed 9067750.